The following is an entry in ClinVar:

ClinVar aggregate classification (germline): Uncertain significance (1 of 4 stars; one submission).

Submission:

Laboratory for Molecular Medicine, Mass General Brigham Personalized Medicine
Classification: Uncertain significance. Last evaluated: 2018-07-25. Review status: criteria provided, single submitter. Criteria: LMM Criteria. Collection method: clinical testing. Allele origin: germline. Observed: 1 variant allele.
Comment: The p.Ala157Val variant in ESRRB has not been previously reported in individuals with hearing loss and was absent from large population studies. Computational p rediction tools and conservation analyses do not provide strong support for or a gainst an impact to the protein. In summary, the clinical significance of the p. Ala157Val variant is uncertain. ACMG/AMP Criteria applied: PM2.

NM_001379180.1(ESRRB):c.533C>T (p.Ala178Val)

Gene: ESRRB (estrogen related receptor beta; plus strand). Cytogenetic location: 14q24.3.
Variant type: single nucleotide variant.
Coding change: c.533C>T on transcript NM_001379180.1 (MANE Select); coding-DNA position 533, C replaced by T.
Protein change: p.Ala178Val; replaces alanine 178 with valine.
Molecular consequence: missense variant.
Genome position (GRCh38, 1-based): chr14:76,462,617, C>T. VCF-style: chr14-76462617-C-T. GRCh37 (hg19) VCF-style: chr14-76928960-C-T.
Other names: c.470C>T, p.Ala157Val (NM_004452.4); short protein forms A157V, A178V.
Identifiers: ClinVar variation 666830 (VCV000666830.4), dbSNP rs1368040979, ClinGen allele CA390476816.